The following is an entry in ClinVar:

NM_001478.5(B4GALNT1):c.1545G>A (p.Met515Ile)

Gene: B4GALNT1 (beta-1,4-N-acetyl-galactosaminyltransferase 1; minus strand). Cytogenetic location: 12q13.3.
Variant type: single nucleotide variant.
Coding change: c.1545G>A on transcript NM_001478.5 (MANE Select); coding-DNA position 1545, G replaced by A.
Protein change: p.Met515Ile; replaces methionine 515 with isoleucine.
Molecular consequence: missense variant.
Genome position (GRCh38, 1-based): chr12:57,626,801, C>T on the plus strand (G>A on the coding strand, the complement: B4GALNT1 is on the minus strand). VCF-style: chr12-57626801-C-T. GRCh37 (hg19) VCF-style: chr12-58020584-C-T.
Other names: c.1380G>A, p.Met460Ile (NM_001276468.2); c.1545G>A (NM_001478.3); short protein forms M460I, M515I.
Identifiers: ClinVar variation 835530 (VCV000835530.14), dbSNP rs144984608, ClinGen allele CA6655408.
Genomic context (GRCh38, chr12:57,626,801, plus strand): 5'-CCATCACTGGGAGGTCATGCACTGCAGCCGGTGTTTGAAGAAGAGCAGCCGGTGTTTGGC[C>T]ATCTGGCTCTCGTCCAGTGATCCTGGGTAACGGTACCGGGCGTAAGTCTCTGCTCCGGCA-3'
Protein context (NP_001469.1, residues 505-525): RYPGSLDESQ[Met515Ile]AKHRLLFFKH

ClinVar aggregate classification (germline): Uncertain significance. Review status: criteria provided, multiple submitters, no conflicts (2 of 4 stars). 4 submissions from 4 submitters: Uncertain significance (4). Last evaluated 2024-12-25.

Conditions:
Spastic paraplegia. Identifiers: MedGen C0037772, HP:0001258.
Inborn genetic diseases. Identifiers: MedGen C0950123, MeSH D030342.
Hereditary spastic paraplegia 26 (SPG26). Also called: SPASTIC PARAPLEGIA 26, AUTOSOMAL RECESSIVE. Identifiers: Orphanet 101006, MedGen C1836632, MONDO:0012213, OMIM 609195.

Allele frequency attached by ClinVar (database versions not stated): gnomAD exomes 0.00005 and 0.00024; TOPMed 0.00006; ExAC 0.00007; gnomAD 0.00009; ESP Exome Variant Server 0.00023.
gnomAD v4.1: 362 of 1,614,084 alleles (0.022%); highest among the groups gnomAD compares: Non-Finnish European, 0.03%; no homozygotes.

Submissions (4):

Ambry Genetics
Classification: Uncertain significance for Inborn genetic diseases. Last evaluated: 2024-12-25. Review status: criteria provided, single submitter. Criteria: Ambry Variant Classification Scheme 2023. Collection method: clinical testing. Allele origin: germline.

Labcorp Genetics (formerly Invitae), Labcorp
Classification: Uncertain significance for Spastic paraplegia. Last evaluated: 2023-11-27. Review status: criteria provided, single submitter. Criteria: Invitae Variant Classification Sherloc (09022015). Collection method: clinical testing. Allele origin: germline.
Comment: This sequence change replaces methionine, which is neutral and non-polar, with isoleucine, which is neutral and non-polar, at codon 515 of the B4GALNT1 protein (p.Met515Ile). This variant is present in population databases (rs144984608, gnomAD 0.01%). This variant has not been reported in the literature in individuals affected with B4GALNT1-related conditions. ClinVar contains an entry for this variant (Variation ID: 835530). Advanced modeling of protein sequence and biophysical properties (such as structural, functional, and spatial information, amino acid conservation, physicochemical variation, residue mobility, and thermodynamic stability) performed at Invitae indicates that this missense variant is not expected to disrupt B4GALNT1 protein function with a negative predictive value of 80%. In summary, the available evidence is currently insufficient to determine the role of this variant in disease. Therefore, it has been classified as a Variant of Uncertain Significance.

Baylor Genetics
Classification: Uncertain significance for Hereditary spastic paraplegia 26. Last evaluated: 2023-10-27. Review status: criteria provided, single submitter. Criteria: ACMG Guidelines, 2015. Collection method: clinical testing. Allele origin: unknown.

GeneDx
Classification: Uncertain significance. Last evaluated: 2021-06-24. Review status: criteria provided, single submitter. Criteria: GeneDx Variant Classification Process June 2021. Collection method: clinical testing. Allele origin: germline. Affected: yes.
Comment: Not observed at significant frequency in large population cohorts (Lek et al., 2016); In silico analysis supports that this missense variant does not alter protein structure/function; Has not been previously published as pathogenic or benign to our knowledge; This variant is associated with the following publications: (PMID: 27535533, 23746551)